The following is an entry in ClinVar:

ClinVar aggregate classification (germline): Uncertain significance (1 of 4 stars; one submission).

Conditions:
Hereditary cancer-predisposing syndrome. Also called: Tumor predisposition; Hereditary Cancer Syndrome; Hereditary neoplastic syndrome; Neoplastic Syndromes, Hereditary. Identifiers: Orphanet 140162, MedGen C0027672, MeSH D009386, MONDO:0015356.

Submission:

Ambry Genetics
Classification: Uncertain significance for Hereditary cancer-predisposing syndrome. Last evaluated: 2023-07-14. Review status: criteria provided, single submitter. Criteria: Ambry Variant Classification Scheme 2023. Collection method: clinical testing. Allele origin: germline.
Comment: The c.2314_2316delAAC variant (also known as p.N772del) is located in coding exon 15 of the SMARCA4 gene. This variant results from an in-frame AAC deletion at nucleotide positions 2314 to 2316. This results in the in-frame deletion of an asparagine at codon 772. This amino acid position is highly conserved in available vertebrate species. In addition, this alteration is predicted to be deleterious by in silico analysis (Choi Y et al. PLoS ONE. 2012; 7(10):e46688). Since supporting evidence is limited at this time, the clinical significance of this alteration remains unclear.

NM_003072.5(SMARCA4):c.2308AAC[2] (p.Asn772del)

Gene: SMARCA4 (SWI/SNF related BAF chromatin remodeling complex subunit ATPase 4; plus strand). Cytogenetic location: 19p13.2.
Variant type: Microsatellite.
Coding change: c.2308AAC[2] on transcript NM_003072.5 (MANE Select); two copies in a row of the 3-base unit AAC starting at c.2308; the reference has three copies in a row; one copy, 3 bases deleted.
Protein change: p.Asn772del; deletes asparagine 772.
Molecular consequence: inframe deletion. On other transcripts: non-coding transcript variant (1).
Genome position (GRCh38, 1-based): chr19:11,012,988-11,012,990, AAC deleted; deleting any 3 consecutive bases within chr19:11,012,980-11,012,990 gives the same sequence; the position shown is the placement nearest the transcript's 3' end. VCF-style (leftmost placement, unchanged base first): chr19-11012979-TACA-T. GRCh37 (hg19) VCF-style: chr19-11123655-TACA-T.
Other names: c.2308AAC[2], p.Asn772del (NM_001128844.3, NM_001128845.2, NM_001128846.2 and 6 more transcripts); short protein forms N772del.
Identifiers: ClinVar variation 2587122 (VCV002587122.2), dbSNP rs2514697990, ClinGen allele CA2582342353.
Genomic context (GRCh38, chr19:11,012,979, plus strand): 5'-GTCCTGGCGTGGCCGCATCTGTCCTTGCAGATCAAAGGTTTGGAGTGGCTGGTGTCCCTG[TACA>T]ACAACAACCTGAACGGCATCCTGGCCGACGAGATGGGCCTGGGGAAGACCATCCAGACCA-3'